The following is an entry in ClinVar:

NM_018075.5(ANO10):c.473-2A>T

Gene: ANO10 (anoctamin 10; minus strand). Cytogenetic location: 3p22.1.
Variant type: single nucleotide variant.
Coding change: c.473-2A>T on transcript NM_018075.5 (MANE Select); the canonical splice acceptor site of the intron before coding-DNA position 473, A replaced by T.
Molecular consequence: splice acceptor variant.
Genome position (GRCh38, 1-based): chr3:43,580,474, T>A on the plus strand (A>T on the coding strand, the complement: ANO10 is on the minus strand). VCF-style: chr3-43580474-T-A. GRCh37 (hg19) VCF-style: chr3-43621966-T-A.
Other names: c.275-2A>T (NM_001346469.2, NM_001204832.3, NM_001346466.2); c.473-2A>T (NM_001346468.2, NM_001204834.3, NM_001346465.2 and 4 more transcripts); c.140-2A>T (NM_001204833.3).
Identifiers: ClinVar variation 1323906 (VCV001323906.6), dbSNP rs1553724533, ClinGen allele CA352344664.
Genomic context (GRCh38, chr3:43,580,474, plus strand): 5'-TTCACTGTCATGCAGTGGAAACACCTGAATCACGATGCCAGACGTGAGCAATCTTCTCAC[T>A]GCACAGGGAAAATGTGCCAAACTGCATGAAATGGACTGGAGATTGTGCATGATACGCTTC-3'

ClinVar aggregate classification (germline): Likely pathogenic. Review status: criteria provided, multiple submitters, no conflicts (2 of 4 stars). 3 submissions from 3 submitters: Likely pathogenic (3). Last evaluated 2024-12-03.

Allele frequency attached by ClinVar (database versions not stated): gnomAD 0.00001; TOPMed 0.00002.
gnomAD v4.1: 1 of 1,613,422 alleles (0.000062%); no homozygotes.

Submissions (3):

GeneDx
Classification: Likely pathogenic. Last evaluated: 2024-12-03. Review status: criteria provided, single submitter. Criteria: GeneDx Variant Classification Process June 2021. Collection method: clinical testing. Allele origin: germline. Affected: yes.
Comment: Canonical splice site variant predicted to result in an in-frame loss of the adjacent exon in a gene for which loss of function is a known mechanism of disease; Not observed at significant frequency in large population cohorts (gnomAD); Has not been previously published as pathogenic or benign to our knowledge

Labcorp Genetics (formerly Invitae), Labcorp
Classification: Likely pathogenic. Last evaluated: 2023-04-11. Review status: criteria provided, single submitter. Criteria: Invitae Variant Classification Sherloc (09022015). Collection method: clinical testing. Allele origin: germline.
Comment: This variant has not been reported in the literature in individuals affected with ANO10-related conditions. In summary, the currently available evidence indicates that the variant is pathogenic, but additional data are needed to prove that conclusively. Therefore, this variant has been classified as Likely Pathogenic. Algorithms developed to predict the effect of sequence changes on RNA splicing suggest that this variant may disrupt the consensus splice site. ClinVar contains an entry for this variant (Variation ID: 1323906). This variant is not present in population databases (gnomAD no frequency). This sequence change affects an acceptor splice site in intron 4 of the ANO10 gene. It is expected to disrupt RNA splicing. Variants that disrupt the donor or acceptor splice site typically lead to a loss of protein function (PMID: 16199547), and loss-of-function variants in ANO10 are known to be pathogenic (PMID: 25089919).

Athena Diagnostics
Classification: Likely pathogenic. Last evaluated: 2021-07-22. Review status: criteria provided, single submitter. Criteria: Athena Diagnostics Criteria. Collection method: clinical testing. Allele origin: unknown.
Comment: This variant is expected to severely impact normal RNA splicing, and consequently, protein structure and/or function. This variant has not been reported in large, multi-ethnic general populations. This variant has been identified in at least one individual tested at Athena Diagnostics with clinical features associated with this gene.

Literature cited by the submitters: PubMed 16199547 (cited by Labcorp Genetics (formerly Invitae), Labcorp); PubMed 25089919 (cited by Labcorp Genetics (formerly Invitae), Labcorp).